The following is an entry in ClinVar:

NC_000016.10:g.(?_89775736)_(89775821_?)del

Gene: FANCA (FA complementation group A; minus strand). Cytogenetic location: 16q24.3.
Variant type: Deletion.
Identifiers: ClinVar variation 456070 (VCV000456070.2).

ClinVar aggregate classification (germline): Pathogenic (1 of 4 stars; one submission).

Conditions:
Fanconi anemia (FA). Also called: Fanconi's anemia. Identifiers: Orphanet 84, MedGen C0015625, MeSH D005199, MONDO:0019391.

Submission:

Labcorp Genetics (formerly Invitae), Labcorp
Classification: Pathogenic for Fanconi anemia. Last evaluated: 2019-06-13. Review status: criteria provided, single submitter. Criteria: Invitae Variant Classification Sherloc (09022015). Collection method: clinical testing. Allele origin: germline.
Comment: This variant is an out-of-frame deletion of the genomic region encompassing exon 21 of the FANCA gene. This is expected to create a premature translational stop signal and result in an absent or disrupted protein product. This variant has been observed in several individuals affected with Fanconi anemia (PMID: 21659346, 22778927). This variant is also known as c.1827-?_1900+?del and ex21del in the literature. Loss-of-function variants in FANCA are known to be pathogenic (PMID: 19367192). For these reasons, this variant has been classified as Pathogenic.

Literature cited by the submitters: PubMed 22778927; PubMed 21659346.